The following is an entry in ClinVar:

NM_001023.4(RPS20):c.354T>C (p.Asp118=)

Gene: RPS20 (ribosomal protein S20; minus strand). Cytogenetic location: 8q12.1.
Variant type: single nucleotide variant.
Coding change: c.354T>C on transcript NM_001023.4 (MANE Select); coding-DNA position 354, T replaced by C.
Protein change: p.Asp118=; no amino-acid change (aspartic acid 118 retained).
Molecular consequence: synonymous variant. On other transcripts: intron variant (1).
Genome position (GRCh38, 1-based): chr8:56,073,096, A>G on the plus strand (T>C on the coding strand, the complement: RPS20 is on the minus strand). VCF-style: chr8-56073096-A-G. GRCh37 (hg19) VCF-style: chr8-56985655-A-G.
Other names: c.333+21T>C (NM_001146227.3).
Identifiers: ClinVar variation 1732584 (VCV001732584.3), dbSNP rs765925127, ClinGen allele CA4754311.

ClinVar aggregate classification (germline): Benign/Likely benign. Review status: criteria provided, multiple submitters, no conflicts (2 of 4 stars). 2 submissions from 2 submitters: Benign (1); Likely benign (1). Last evaluated 2026-08-04.

Conditions:
Familial colorectal cancer type X. Identifiers: Orphanet 440437, MedGen C3896578, MONDO:0018604.

Allele frequency attached by ClinVar (database versions not stated): gnomAD exomes 0.00001; TOPMed below 0.00001; ExAC 0.00001.
gnomAD v4.1: 12 of 1,594,046 alleles (0.00075%); highest among the groups gnomAD compares: Non-Finnish European, 0.00093%; no homozygotes.

Submissions (2):

Myriad Genetics, Inc.
Classification: Benign for Familial colorectal cancer type X. Last evaluated: 2026-08-04. Review status: criteria provided, single submitter. Criteria: Myriad Autosomal Dominant, Autosomal Recessive and X-Linked Classification Criteria (2023). Collection method: clinical testing. Allele origin: unknown.
Comment: This variant is considered benign. This variant is intronic and is not expected to impact mRNA splicing.

Ambry Genetics
Classification: Likely benign. Last evaluated: 2022-07-05. Review status: criteria provided, single submitter. Criteria: Ambry Variant Classification Scheme 2023. Collection method: clinical testing. Allele origin: germline.